The following is an entry in ClinVar:

ClinVar aggregate classification (germline): Pathogenic (1 of 4 stars; one submission).

Conditions:
Joubert syndrome. Also called: CEREBELLOPARENCHYMAL DISORDER IV; JOUBERT-BOLTSHAUSER SYNDROME; Familial aplasia of the vermis. Identifiers: Orphanet 475, MedGen C5979921, MONDO:0018772.
Meckel-Gruber syndrome. Also called: DYSENCEPHALIA SPLANCHNOCYSTICA; GRUBER SYNDROME; Dysencephalia splachnocystica. Identifiers: Orphanet 564, MedGen C0265215, MONDO:0018921.

Submission:

Labcorp Genetics (formerly Invitae), Labcorp
Classification: Pathogenic for Joubert syndrome; Meckel-Gruber syndrome. Last evaluated: 2023-07-18. Review status: criteria provided, single submitter. Criteria: Invitae Variant Classification Sherloc (09022015). Collection method: clinical testing. Allele origin: germline.
Comment: For these reasons, this variant has been classified as Pathogenic. This variant disrupts a region of the CC2D2A protein in which other variant(s) (p.Glu1126Lys) have been determined to be pathogenic (PMID: 22425360, 23012439). This suggests that this is a clinically significant region of the protein, and that variants that disrupt it are likely to be disease-causing. This variant has not been reported in the literature in individuals affected with CC2D2A-related conditions. This variant results in the deletion of exons 26-30 and part of exon 31 (c.3182+355_3825del) of the CC2D2A gene. It is expected to disrupt RNA splicing. Variants that disrupt the donor or acceptor splice site typically lead to a loss of protein function (PMID: 16199547), and loss-of-function variants in CC2D2A are known to be pathogenic (PMID: 19777577).

Literature cited by the submitters: PubMed 22425360; PubMed 23012439; PubMed 16199547; PubMed 19777577.

NC_000004.11:g.(?_15565496)_(15581640_?)del

Gene: CC2D2A (coiled-coil and C2 domain containing 2A; plus strand). Cytogenetic location: 4p15.32.
Variant type: Deletion.
Identifiers: ClinVar variation 2423661 (VCV002423661.6).